The following is an entry in ClinVar:

NM_000110.4(DPYD):c.1617A>G (p.Gly539=)

Gene: DPYD (dihydropyrimidine dehydrogenase; minus strand). Cytogenetic location: 1p21.3.
Variant type: single nucleotide variant.
Coding change: c.1617A>G on transcript NM_000110.4 (MANE Select); coding-DNA position 1617, A replaced by G.
Protein change: p.Gly539=; no amino-acid change (glycine 539 retained).
Molecular consequence: synonymous variant.
Genome position (GRCh38, 1-based): chr1:97,515,849, T>C on the plus strand (A>G on the coding strand, the complement: DPYD is on the minus strand). VCF-style: chr1-97515849-T-C. GRCh37 (hg19) VCF-style: chr1-97981405-T-C.
Identifiers: ClinVar variation 2638937 (VCV002638937.24), dbSNP rs762029458, ClinGen allele CA963290.

ClinVar aggregate classification (germline): Likely benign (1 of 4 stars; one submission).

Allele frequency attached by ClinVar (database versions not stated): gnomAD exomes 0.00001; TOPMed 0.00001; ExAC 0.00002.
gnomAD v4.1: 9 of 1,612,920 alleles (0.00056%); highest among the groups gnomAD compares: Admixed American, 0.0017%; no homozygotes.

Submission:

CeGaT Center for Human Genetics Tuebingen
Classification: Likely benign. Last evaluated: 2022-11-01. Review status: criteria provided, single submitter. Criteria: CeGaT Center For Human Genetics Tuebingen Variant Classification Criteria Version 2. Collection method: clinical testing. Allele origin: germline. Affected: yes. Observed: 1 variant allele.
Comment: DPYD: BP4, BP7